The following is an entry in ClinVar:

NM_003659.4(AGPS):c.1436A>G (p.Gln479Arg)

Gene: AGPS (alkylglycerone phosphate synthase; plus strand). Cytogenetic location: 2q31.2.
Variant type: single nucleotide variant.
Coding change: c.1436A>G on transcript NM_003659.4 (MANE Select); coding-DNA position 1436, A replaced by G.
Protein change: p.Gln479Arg; replaces glutamine 479 with arginine.
Molecular consequence: missense variant.
Genome position (GRCh38, 1-based): chr2:177,499,691, A>G. VCF-style: chr2-177499691-A-G. GRCh37 (hg19) VCF-style: chr2-178364419-A-G.
Other names: short protein forms Q479R.
Identifiers: ClinVar variation 2179741 (VCV002179741.1), dbSNP rs2468117097, ClinGen allele CA349365383.

ClinVar aggregate classification (germline): Uncertain significance (1 of 4 stars; one submission).

Allele frequency attached by ClinVar (database versions not stated): gnomAD exomes 0.00001.

Submission:

Labcorp Genetics (formerly Invitae), Labcorp
Classification: Uncertain significance. Last evaluated: 2021-08-27. Review status: criteria provided, single submitter. Criteria: Invitae Variant Classification Sherloc (09022015). Collection method: clinical testing. Allele origin: germline.
Comment: This sequence change replaces glutamine with arginine at codon 479 of the AGPS protein (p.Gln479Arg). The glutamine residue is highly conserved and there is a small physicochemical difference between glutamine and arginine. This variant is not present in population databases (ExAC no frequency). This variant has not been reported in the literature in individuals affected with AGPS-related conditions. Algorithms developed to predict the effect of missense changes on protein structure and function (SIFT, PolyPhen-2, Align-GVGD) all suggest that this variant is likely to be tolerated. In summary, the available evidence is currently insufficient to determine the role of this variant in disease. Therefore, it has been classified as a Variant of Uncertain Significance.